The following is an entry in ClinVar:

ClinVar aggregate classification (germline): Likely benign. Review status: criteria provided, multiple submitters, no conflicts (2 of 4 stars). 3 submissions from 3 submitters: Likely benign (3). Last evaluated 2025-11-02.

Conditions:
Methylmalonic acidemia with homocystinuria, type cblX (MAHCX). Also called: INTELLECTUAL DEVELOPMENTAL DISORDER, X-LINKED 3. Identifiers: Orphanet 369962, MedGen C0796208, MONDO:0010657, OMIM 309541.

Allele frequency attached by ClinVar (database versions not stated): ExAC 0.00001; gnomAD exomes 0.00002; TOPMed 0.00003; gnomAD 0.00005 and 0.00006.
gnomAD v4.1: 33 of 1,201,044 alleles (0.0027%); highest among the groups gnomAD compares: South Asian, 0.0035%; no homozygotes.

Submissions (3):

Labcorp Genetics (formerly Invitae), Labcorp
Classification: Likely benign for Methylmalonic acidemia with homocystinuria, type cblX. Last evaluated: 2025-11-02. Review status: criteria provided, single submitter. Criteria: Invitae Variant Classification Sherloc (09022015). Collection method: clinical testing. Allele origin: germline.

Blueprint Genetics
Classification: Likely benign. Last evaluated: 2019-09-19. Review status: criteria provided, single submitter. Criteria: ACMG Guidelines, 2015. Collection method: clinical testing. Allele origin: germline.

GeneDx
Classification: Likely benign. Last evaluated: 2017-02-10. Review status: criteria provided, single submitter. Criteria: GeneDx Variant Classification (06012015). Collection method: clinical testing. Allele origin: germline. Affected: yes.
Comment: This variant is considered likely benign or benign based on one or more of the following criteria: it is a conservative change, it occurs at a poorly conserved position in the protein, it is predicted to be benign by multiple in silico algorithms, and/or has population frequency not consistent with disease.

NM_005334.3(HCFC1):c.4218G>A (p.Ala1406=)

Gene: HCFC1 (host cell factor C1; minus strand). Cytogenetic location: Xq28.
Variant type: single nucleotide variant.
Coding change: c.4218G>A on transcript NM_005334.3 (MANE Select); coding-DNA position 4218, G replaced by A.
Protein change: p.Ala1406=; no amino-acid change (alanine 1406 retained).
Molecular consequence: synonymous variant.
Genome position (GRCh38, 1-based): chrX:153,954,181, C>T on the plus strand (G>A on the coding strand, the complement: HCFC1 is on the minus strand). VCF-style: chrX-153954181-C-T. GRCh37 (hg19) VCF-style: chrX-153219632-C-T.
Identifiers: ClinVar variation 507429 (VCV000507429.8), dbSNP rs782670703, ClinGen allele CA10557050.
Genomic context (GRCh38, chrX:153,954,181, plus strand): 5'-CTCGTGGGTCTCACAGGGGGGGTTGGAGCACACCCTCTGTGTTGGGAAAGGAGCCAGCAG[C>T]GCGGTGCCAGCCTGGGGGGTGACGCTGGGTGCCGCCGCCACCTCTAGGCCAGACTCCACG-3'
Protein context (NP_005325.2, residues 1396-1416): APSVTPQAGT[Ala1406=]LLAPFPTQRV